The following is an entry in ClinVar:

NM_182961.4(SYNE1):c.19130T>C (p.Ile6377Thr)

Gene: SYNE1 (spectrin repeat containing nuclear envelope protein 1; minus strand). Cytogenetic location: 6q25.2.
Variant type: single nucleotide variant.
Coding change: c.19130T>C on transcript NM_182961.4 (MANE Select); coding-DNA position 19130, T replaced by C.
Protein change: p.Ile6377Thr; replaces isoleucine 6377 with threonine.
Molecular consequence: missense variant.
Genome position (GRCh38, 1-based): chr6:152,255,721, A>G on the plus strand (T>C on the coding strand, the complement: SYNE1 is on the minus strand). VCF-style: chr6-152255721-A-G. GRCh37 (hg19) VCF-style: chr6-152576856-A-G.
Other names: c.18917T>C, p.Ile6306Thr (NM_033071.5); short protein forms I6377T, I6306T.
Identifiers: ClinVar variation 647665 (VCV000647665.6), dbSNP rs1588858602, ClinGen allele CA366137234.

ClinVar aggregate classification (germline): Uncertain significance (1 of 4 stars; one submission).

Conditions:
Autosomal recessive ataxia, Beauce type. Also called: Spinocerebellar ataxia, autosomal recessive 8; ATAXIA, RECESSIVE, OF BEAUCE; SYNE1 Deficiency; SYNE1-Related Autosomal Recessive Cerebellar Ataxia. Identifiers: Orphanet 88644, MedGen C1853116, MONDO:0012549, OMIM 610743.
Emery-Dreifuss muscular dystrophy 4, autosomal dominant (EDMD4). Also called: EMERY-DREIFUSS MUSCULAR DYSTROPHY 4 WITH VARIABLE FEATURES. Identifiers: Orphanet 261, MedGen C2751807, MONDO:0013071, OMIM 612998.

Allele frequency attached by ClinVar (database versions not stated): gnomAD exomes below 0.00001.

Submission:

Labcorp Genetics (formerly Invitae), Labcorp
Classification: Uncertain significance for Emery-Dreifuss muscular dystrophy 4, autosomal dominant; Autosomal recessive ataxia, Beauce type. Last evaluated: 2021-08-27. Review status: criteria provided, single submitter. Criteria: Invitae Variant Classification Sherloc (09022015). Collection method: clinical testing. Allele origin: germline.
Comment: This sequence change replaces isoleucine with threonine at codon 6306 of the SYNE1 protein (p.Ile6306Thr). The isoleucine residue is moderately conserved and there is a moderate physicochemical difference between isoleucine and threonine. This variant is not present in population databases (ExAC no frequency). This variant has not been reported in the literature in individuals affected with SYNE1-related conditions. Algorithms developed to predict the effect of missense changes on protein structure and function are either unavailable or do not agree on the potential impact of this missense change (SIFT: "Deleterious"; PolyPhen-2: "Benign"; Align-GVGD: "Class C15"). In summary, the available evidence is currently insufficient to determine the role of this variant in disease. Therefore, it has been classified as a Variant of Uncertain Significance.